The following is an entry in ClinVar:

NM_005475.3(SH2B3):c.1585G>T (p.Val529Leu)

Gene: SH2B3 (SH2B adaptor protein 3; plus strand). Cytogenetic location: 12q24.12.
Variant type: single nucleotide variant.
Coding change: c.1585G>T on transcript NM_005475.3 (MANE Select); coding-DNA position 1585, G replaced by T.
Protein change: p.Val529Leu; replaces valine 529 with leucine.
Molecular consequence: missense variant.
Genome position (GRCh38, 1-based): chr12:111,448,159, G>T. VCF-style: chr12-111448159-G-T. GRCh37 (hg19) VCF-style: chr12-111885963-G-T.
Other names: c.979G>T, p.Val327Leu (NM_001291424.1); short protein forms V529L, V327L.
Identifiers: ClinVar variation 4824361 (VCV004824361.1).

ClinVar aggregate classification (germline): Uncertain significance (1 of 4 stars; one submission).

Conditions:
Inborn genetic diseases. Identifiers: MedGen C0950123, MeSH D030342.

gnomAD v4.1: 1 of 1,614,020 alleles (0.000062%); highest among the groups gnomAD compares: Admixed American, 0.0017%; no homozygotes.

Submission:

Ambry Genetics
Classification: Uncertain significance for Inborn genetic diseases. Last evaluated: 2026-02-13. Review status: criteria provided, single submitter. Criteria: Ambry Variant Classification Scheme 2023. Collection method: clinical testing. Allele origin: germline.
Comment: The p.V529L variant (also known as c.1585G>T), located in coding exon 7 of the SH2B3 gene, results from a G to T substitution at nucleotide position 1585. The valine at codon 529 is replaced by leucine, an amino acid with highly similar properties. This amino acid position is conserved. In addition, this alteration is predicted to be tolerated by in silico analysis. Based on the available evidence, the clinical significance of this variant remains unclear.